The following is an entry in ClinVar:

ClinVar aggregate classification (germline): Uncertain significance (1 of 4 stars; one submission).

gnomAD v4.1: 1 of 1,612,740 alleles (0.000062%); highest among the groups gnomAD compares: Non-Finnish European, 0.000085%; no homozygotes.

Submission:

Labcorp Genetics (formerly Invitae), Labcorp
Classification: Uncertain significance. Last evaluated: 2025-09-10. Review status: criteria provided, single submitter. Criteria: Invitae Variant Classification Sherloc (09022015). Collection method: clinical testing. Allele origin: germline.
Comment: This sequence change replaces isoleucine, which is neutral and non-polar, with threonine, which is neutral and polar, at codon 217 of the CD81 protein (p.Ile217Thr). This variant is not present in population databases (gnomAD no frequency). This variant has not been reported in the literature in individuals affected with CD81-related conditions. An algorithm developed to predict the effect of missense changes on protein structure and function (PolyPhen-2) suggests that this variant is likely to be disruptive. In summary, the available evidence is currently insufficient to determine the role of this variant in disease. Therefore, it has been classified as a Variant of Uncertain Significance.

NM_004356.4(CD81):c.650T>C (p.Ile217Thr)

Gene: CD81 (CD81 molecule; plus strand). Cytogenetic location: 11p15.5.
Variant type: single nucleotide variant.
Coding change: c.650T>C on transcript NM_004356.4 (MANE Select); coding-DNA position 650, T replaced by C.
Protein change: p.Ile217Thr; replaces isoleucine 217 with threonine.
Molecular consequence: missense variant.
Genome position (GRCh38, 1-based): chr11:2,396,805, T>C. VCF-style: chr11-2396805-T-C. GRCh37 (hg19) VCF-style: chr11-2418035-T-C.
Other names: c.437T>C, p.Ile146Thr (NM_001297649.2, NM_001425129.1, NM_001425130.1 and 3 more transcripts); c.773T>C, p.Ile258Thr (NM_001425135.1); c.647T>C, p.Ile216Thr (NM_001425137.1); c.434T>C, p.Ile145Thr (NM_001425138.1); short protein forms I145T, I146T, I217T, I216T, I258T.
Identifiers: ClinVar variation 4699004 (VCV004699004.1).